The following is an entry in ClinVar:

ClinVar aggregate classification (germline): Uncertain significance (1 of 4 stars; one submission).

Conditions:
Arginine:glycine amidinotransferase deficiency (CCDS3). Also called: Cerebral creatine deficiency syndrome 3; AGAT deficiency; L-Arginine:Glycine Amidinotransferase (AGAT) Deficiency; L-Arginine:Glycine Amidinotransferase Deficiency; Creatine deficiency syndrome due to AGAT deficiency; GATM deficiency. Identifiers: Orphanet 35704, MedGen C2675179, MONDO:0012996, OMIM 612718.

Allele frequency attached by ClinVar (database versions not stated): gnomAD 0.00001; gnomAD exomes 0.00001; ExAC 0.00003.

Submission:

Labcorp Genetics (formerly Invitae), Labcorp
Classification: Uncertain significance for Arginine:glycine amidinotransferase deficiency. Last evaluated: 2022-01-27. Review status: criteria provided, single submitter. Criteria: Invitae Variant Classification Sherloc (09022015). Collection method: clinical testing. Allele origin: germline.
Comment: This sequence change replaces proline, which is neutral and non-polar, with leucine, which is neutral and non-polar, at codon 74 of the GATM protein (p.Pro74Leu). This variant is present in population databases (rs764270822, gnomAD 0.02%). This variant has not been reported in the literature in individuals affected with GATM-related conditions. Algorithms developed to predict the effect of missense changes on protein structure and function are either unavailable or do not agree on the potential impact of this missense change (SIFT: "Deleterious"; PolyPhen-2: "Possibly Damaging"; Align-GVGD: "Class C0"). In summary, the available evidence is currently insufficient to determine the role of this variant in disease. Therefore, it has been classified as a Variant of Uncertain Significance.

NM_001482.3(GATM):c.221C>T (p.Pro74Leu)

Gene: GATM (glycine amidinotransferase; minus strand). Cytogenetic location: 15q21.1.
Variant type: single nucleotide variant.
Coding change: c.221C>T on transcript NM_001482.3 (MANE Select); coding-DNA position 221, C replaced by T.
Protein change: p.Pro74Leu; replaces proline 74 with leucine.
Molecular consequence: missense variant. On other transcripts: 5 prime UTR variant (1).
Genome position (GRCh38, 1-based): chr15:45,376,668, G>A on the plus strand (C>T on the coding strand, the complement: GATM is on the minus strand). VCF-style: chr15-45376668-G-A. GRCh37 (hg19) VCF-style: chr15-45668866-G-A.
Other names: c.-167C>T (NM_001321015.2); short protein forms P74L.
Identifiers: ClinVar variation 2090385 (VCV002090385.1), dbSNP rs764270822, ClinGen allele CA7542976.